The following is an entry in ClinVar:

NM_000059.4(BRCA2):c.2798_2799dup (p.Gly934fs)

Gene: BRCA2 (BRCA2 DNA repair associated; plus strand). Cytogenetic location: 13q13.1.
Variant type: Microsatellite.
Coding change: c.2798_2799dup on transcript NM_000059.4 (MANE Select); coding-DNA positions 2798 to 2799, 2 bases duplicated (CA; older notation c.2798_2799dupCA).
Protein change: p.Gly934fs; shifts the reading frame from glycine 934.
Molecular consequence: frameshift variant. On other transcripts: non-coding transcript variant (1), intron variant (2).
Genome position (GRCh38, 1-based): chr13:32,337,153-32,337,154, CA duplicated; duplicating any 2 consecutive bases within chr13:32,337,150-32,337,154 gives the same sequence; the c. name uses the placement nearest the transcript's 3' end. VCF-style (leftmost placement, unchanged base first): chr13-32337149-G-GAC. GRCh37 (hg19) VCF-style: chr13-32911286-G-GAC.
Other names: c.2798_2799dup, p.Gly934fs (NM_001406719.1, NM_001406720.1, NM_001432077.1); c.1909+3763AC[3] (NM_001406721.1); c.424+6120AC[3] (NM_001406722.1); c.2798_2799dupCA (NM_000059.4); short protein forms G934fs.
Identifiers: ClinVar variation 4887439 (VCV004887439.1).

ClinVar aggregate classification (germline): Pathogenic (1 of 4 stars; one submission).

Conditions:
Hereditary breast ovarian cancer syndrome. Also called: Hereditary breast and ovarian cancer syndrome; Hereditary breast and ovarian cancer; Hereditary breast and ovarian cancer syndrome (HBOC); Breast and ovarian cancer; Hereditary breast and/or ovarian cancer syndrome; BRCA1- and BRCA2-Associated Hereditary Breast and Ovarian Cancer. Identifiers: Orphanet 145, MedGen C0677776, MeSH D061325, MONDO:0003582. Disease mechanism: loss of function.

Submission:

Women's Health and Genetics/Laboratory Corporation of America, LabCorp
Classification: Pathogenic for Hereditary breast ovarian cancer syndrome. Last evaluated: 2026-06-08. Review status: criteria provided, single submitter. Criteria: LabCorp Variant Classification Summary - May 2015. Collection method: clinical testing. Allele origin: germline.
Comment: Variant summary: BRCA2 c.2798_2799dupCA (p.Gly934GlnfsX27) results in a premature termination codon, predicted to cause a truncation of the encoded protein or absence of the protein due to nonsense mediated decay, which are commonly known mechanisms for disease. The variant was absent in 250884 control chromosomes. To our knowledge, no occurrence of c.2798_2799dupCA in individuals affected with BRCA2-related conditions and no experimental evidence demonstrating its impact on protein function have been reported. No submitters have cited clinical-significance assessments for this variant to ClinVar. Based on the evidence outlined above, the variant was classified as pathogenic.